The following is an entry in ClinVar:

ClinVar aggregate classification (germline): Uncertain significance. Review status: criteria provided, multiple submitters, no conflicts (2 of 4 stars). 2 submissions from 2 submitters: Uncertain significance (2). Last evaluated 2022-04-03.

Conditions:
Hereditary spastic paraplegia 53. Also called: Spastic paraplegia 53, autosomal recessive. Identifiers: Orphanet 319199, MedGen C3539494, MONDO:0013962, OMIM 614898.

Allele frequency attached by ClinVar (database versions not stated): ExAC 0.00002; gnomAD 0.00002; TOPMed 0.00002; 1000 Genomes Project 30x 0.00016; 1000 Genomes Project 0.00020.
gnomAD v4.1: 6 of 1,612,646 alleles (0.00037%); highest among the groups gnomAD compares: African/African-American, 0.0067%; no homozygotes.

Submissions (2):

Labcorp Genetics (formerly Invitae), Labcorp
Classification: Uncertain significance for Hereditary spastic paraplegia 53. Last evaluated: 2022-04-03. Review status: criteria provided, single submitter. Criteria: Invitae Variant Classification Sherloc (09022015). Collection method: clinical testing. Allele origin: germline.
Comment: This variant has not been reported in the literature in individuals affected with VPS37A-related conditions. This variant is present in population databases (rs540348874, gnomAD 0.03%). This sequence change replaces isoleucine, which is neutral and non-polar, with threonine, which is neutral and polar, at codon 276 of the VPS37A protein (p.Ile276Thr). In summary, the available evidence is currently insufficient to determine the role of this variant in disease. Therefore, it has been classified as a Variant of Uncertain Significance. Algorithms developed to predict the effect of missense changes on protein structure and function (SIFT, PolyPhen-2, Align-GVGD) all suggest that this variant is likely to be tolerated.

Ambry Genetics
Classification: Uncertain significance. Last evaluated: 2021-09-16. Review status: criteria provided, single submitter. Criteria: Ambry Variant Classification Scheme 2023. Collection method: clinical testing. Allele origin: germline.

NM_152415.3(VPS37A):c.827T>C (p.Ile276Thr)

Gene: VPS37A (VPS37A subunit of ESCRT-I; plus strand). Cytogenetic location: 8p22.
Variant type: single nucleotide variant.
Coding change: c.827T>C on transcript NM_152415.3 (MANE Select); coding-DNA position 827, T replaced by C.
Protein change: p.Ile276Thr; replaces isoleucine 276 with threonine.
Molecular consequence: missense variant.
Genome position (GRCh38, 1-based): chr8:17,280,141, T>C. VCF-style: chr8-17280141-T-C. GRCh37 (hg19) VCF-style: chr8-17137650-T-C.
Other names: c.752T>C, p.Ile251Thr (NM_001145152.2); c.827T>C, p.Ile276Thr (NM_001363167.1, NM_001363173.2); c.557T>C, p.Ile186Thr (NM_001363168.1, NM_001363169.1, NM_001363170.1 and 2 more transcripts); c.827T>C (NM_152415.2); short protein forms I186T, I251T, I276T.
Identifiers: ClinVar variation 2196563 (VCV002196563.5), dbSNP rs540348874, ClinGen allele CA4643505.